The following is an entry in ClinVar:

NM_001256545.2(MEGF10):c.1627G>A (p.Asp543Asn)

Gene: MEGF10 (multiple EGF like domains 10; plus strand). Cytogenetic location: 5q23.2.
Variant type: single nucleotide variant.
Coding change: c.1627G>A on transcript NM_001256545.2 (MANE Select); coding-DNA position 1627, G replaced by A.
Protein change: p.Asp543Asn; replaces aspartic acid 543 with asparagine.
Molecular consequence: missense variant.
Genome position (GRCh38, 1-based): chr5:127,422,706, G>A. VCF-style: chr5-127422706-G-A. GRCh37 (hg19) VCF-style: chr5-126758398-G-A.
Other names: c.1627G>A, p.Asp543Asn (NM_001308119.2, NM_001308121.2, NM_032446.3); short protein forms D543N.
Identifiers: ClinVar variation 472734 (VCV000472734.8), dbSNP rs927000363, ClinGen allele CA126951158.
Genomic context (GRCh38, chr5:127,422,706, plus strand): 5'-CCTTTGATGCTGTTTTCCATGCAGGATGGCACGTACGGGCTGAACTGTGCTGAGCGCTGC[G>A]ACTGCAGCCACGCAGATGGCTGCCACCCTACCACGGGCCATTGCCGCTGCCTCCCCGGAT-3'
Protein context (NP_001243474.1, residues 533-553): TYGLNCAERC[Asp543Asn]CSHADGCHPT

ClinVar aggregate classification (germline): Uncertain significance (1 of 4 stars; one submission).

Conditions:
MEGF10-related myopathy (CMYO10A). Also called: Congenital myopathy 10A, severe variant. Identifiers: Orphanet 439212, MedGen C3280679, MONDO:0013731, OMIM 614399.

Allele frequency attached by ClinVar (database versions not stated): gnomAD exomes below 0.00001; gnomAD 0.00001; TOPMed 0.00001.
gnomAD v4.1: 5 of 1,613,972 alleles (0.00031%); highest among the groups gnomAD compares: African/African-American, 0.0013%; no homozygotes.

Submission:

Labcorp Genetics (formerly Invitae), Labcorp
Classification: Uncertain significance for MEGF10-related myopathy. Last evaluated: 2023-08-10. Review status: criteria provided, single submitter. Criteria: Invitae Variant Classification Sherloc (09022015). Collection method: clinical testing. Allele origin: germline.
Comment: In summary, the available evidence is currently insufficient to determine the role of this variant in disease. Therefore, it has been classified as a Variant of Uncertain Significance. Advanced modeling of protein sequence and biophysical properties (such as structural, functional, and spatial information, amino acid conservation, physicochemical variation, residue mobility, and thermodynamic stability) performed at Invitae indicates that this missense variant is not expected to disrupt MEGF10 protein function. ClinVar contains an entry for this variant (Variation ID: 472734). This variant has not been reported in the literature in individuals affected with MEGF10-related conditions. This variant is not present in population databases (gnomAD no frequency). This sequence change replaces aspartic acid, which is acidic and polar, with asparagine, which is neutral and polar, at codon 543 of the MEGF10 protein (p.Asp543Asn).